The following is an entry in ClinVar:

NM_000443.4(ABCB4):c.2859C>T (p.Ala953=)

Gene: ABCB4 (ATP binding cassette subfamily B member 4; minus strand). Cytogenetic location: 7q21.12.
Variant type: single nucleotide variant.
Coding change: c.2859C>T on transcript NM_000443.4 (MANE Select); coding-DNA position 2859, C replaced by T.
Protein change: p.Ala953=; no amino-acid change (alanine 953 retained).
Molecular consequence: synonymous variant. On other transcripts: intron variant (1).
Genome position (GRCh38, 1-based): chr7:87,411,958, G>A on the plus strand (C>T on the coding strand, the complement: ABCB4 is on the minus strand). VCF-style: chr7-87411958-G-A. GRCh37 (hg19) VCF-style: chr7-87041274-G-A.
Other names: c.2859C>T, p.Ala953= (NM_018849.3); c.2783+1659C>T (NM_018850.3).
Identifiers: ClinVar variation 2908874 (VCV002908874.4), dbSNP rs779096226, ClinGen allele CA4326918.

ClinVar aggregate classification (germline): Likely benign. Review status: criteria provided, multiple submitters, no conflicts (2 of 4 stars). 2 submissions from 2 submitters: Likely benign (2). Last evaluated 2026-04-14.

Conditions:
Familial intrahepatic cholestasis. Identifiers: Orphanet 284385, MedGen CN296401, MONDO:0017290.

Allele frequency attached by ClinVar (database versions not stated): TOPMed 0.00005; gnomAD exomes 0.00001; ExAC 0.00002; gnomAD 0.00004.
gnomAD v4.1: 24 of 1,613,748 alleles (0.0015%); highest among the groups gnomAD compares: African/African-American, 0.011%; no homozygotes.

Submissions (2):

Genomenon, Inc
Classification: Likely benign for Familial intrahepatic cholestasis. Last evaluated: 2026-04-14. Review status: criteria provided, single submitter. Criteria: Genomenon Sequence Variant Interpretation Standards - Updated. Collection method: curation. Allele origin: germline. Affected: no.
Comment: ABCB4 c.2859C>T is a synonymous variant that retains Alanine at residue 953. This variant has been reported in the published literature (PMID:28733223). It is absent or not present at a significant frequency in gnomAD. This synonymous variant is not predicted to impact splicing. In conclusion, we classify ABCB4 p.Ala953= (c.2859C>T) as a likely benign variant.

Labcorp Genetics (formerly Invitae), Labcorp
Classification: Likely benign. Last evaluated: 2026-01-03. Review status: criteria provided, single submitter. Criteria: Invitae Variant Classification Sherloc (09022015). Collection method: clinical testing. Allele origin: germline.

Literature cited by the submitters: PubMed 28733223 (cited by Genomenon, Inc).